The following is an entry in ClinVar:

ClinVar aggregate classification (germline): Uncertain significance. Review status: criteria provided, multiple submitters, no conflicts (2 of 4 stars). 4 submissions from 4 submitters: Uncertain significance (4). Last evaluated 2025-12-28.

Conditions:
Hereditary cancer-predisposing syndrome. Also called: Hereditary neoplastic syndrome; Hereditary Cancer Syndrome; Neoplastic Syndromes, Hereditary; Tumor predisposition. Identifiers: Orphanet 140162, MedGen C0027672, MeSH D009386, MONDO:0015356.
Hereditary nonpolyposis colorectal neoplasms. Identifiers: MedGen C0009405, MeSH D003123.

Submissions (4):

Labcorp Genetics (formerly Invitae), Labcorp
Classification: Uncertain significance for Hereditary nonpolyposis colorectal neoplasms. Last evaluated: 2025-12-28. Review status: criteria provided, single submitter. Criteria: Invitae Variant Classification Sherloc (09022015). Collection method: clinical testing. Allele origin: germline.
Comment: This sequence change replaces threonine, which is neutral and polar, with arginine, which is basic and polar, at codon 671 of the PMS2 protein (p.Thr671Arg). The frequency data for this variant in the population databases (gnomAD) is considered unreliable due to the presence of homologous sequence, such as pseudogenes or paralogs, in the genome. This variant has not been reported in the literature in individuals affected with PMS2-related conditions. ClinVar contains an entry for this variant (Variation ID: 234906). Invitae Evidence Modeling incorporating data from in vitro experimental studies (internal data) indicates that this missense variant is not expected to disrupt PMS2 function with a negative predictive value of 95%. In summary, the available evidence is currently insufficient to determine the role of this variant in disease. Therefore, it has been classified as a Variant of Uncertain Significance.

Color Diagnostics, LLC DBA Color Health
Classification: Uncertain significance for Hereditary cancer-predisposing syndrome. Last evaluated: 2025-10-01. Review status: criteria provided, single submitter. Criteria: ACMG Guidelines, 2015. Collection method: clinical testing. Allele origin: germline.
Comment: This missense variant replaces threonine with arginine at codon 671 of the PMS2 protein. Computational prediction suggests that this variant may not impact protein structure and function. To our knowledge, functional studies have not been reported for this variant. This variant has not been reported in individuals affected with PMS2-related disorders in the literature. This variant has not been identified in the general population by the Genome Aggregation Database (gnomAD). The available evidence is insufficient to determine the role of this variant in disease conclusively. Therefore, this variant is classified as a Variant of Uncertain Significance.

Ambry Genetics
Classification: Uncertain significance for Hereditary cancer-predisposing syndrome. Last evaluated: 2025-06-26. Review status: criteria provided, single submitter. Criteria: Ambry Variant Classification Scheme 2023. Collection method: clinical testing. Allele origin: germline.
Comment: The p.T671R variant (also known as c.2012C>G), located in coding exon 12 of the PMS2 gene, results from a C to G substitution at nucleotide position 2012. The threonine at codon 671 is replaced by arginine, an amino acid with similar properties. This amino acid position is not well conserved in available vertebrate species. In addition, the in silico prediction for this alteration is inconclusive. Based on the available evidence, the clinical significance of this variant remains unclear.

GeneDx
Classification: Uncertain significance. Last evaluated: 2016-03-13. Review status: criteria provided, single submitter. Criteria: GeneDx Variant Classification (06012015). Collection method: clinical testing. Allele origin: germline. Affected: yes.
Comment: This variant is denoted PMS2 c.2012C>G at the cDNA level, p.Thr671Arg (T671R) at the protein level, and results in the change of a Threonine to an Arginine (ACG>AGG). This variant has not, to our knowledge, been published in the literature as pathogenic or benign. PMS2 Thr671Arg was not observed in approximately 6,500 individuals of European and African American ancestry in the NHLBI Exome Sequencing Project, suggesting it is not a common benign variant in these populations. Since Threonine and Arginine differ in some properties, this is considered a semi-conservative amino acid substitution. PMS2 Thr671Arg occurs at a position that is not conserved and is located in the Nuclease domain (Fukui 2011). In silico analyses predict that this variant is unlikely to alter protein structure or function. Based on currently available evidence, it is unclear whether PMS2 Thr671Arg is a pathogenic or benign variant. We consider it to be a variant of uncertain significance.

NM_000535.7(PMS2):c.2012C>G (p.Thr671Arg)

Gene: PMS2 (PMS1 homolog 2, mismatch repair system component; minus strand). Cytogenetic location: 7p22.1.
Variant type: single nucleotide variant.
Coding change: c.2012C>G on transcript NM_000535.7 (MANE Select); coding-DNA position 2012, C replaced by G.
Protein change: p.Thr671Arg; replaces threonine 671 with arginine.
Molecular consequence: missense variant. On other transcripts: non-coding transcript variant (1).
Genome position (GRCh38, 1-based): chr7:5,982,986, G>C on the plus strand (C>G on the coding strand, the complement: PMS2 is on the minus strand). VCF-style: chr7-5982986-G-C. GRCh37 (hg19) VCF-style: chr7-6022617-G-C.
Other names: c.1607C>G, p.Thr536Arg (NM_001322003.2, NM_001322004.2, NM_001322005.2 and 1 more transcripts); c.1856C>G, p.Thr619Arg (NM_001322006.2); c.1694C>G, p.Thr565Arg (NM_001322007.2, NM_001322008.2); c.1451C>G, p.Thr484Arg (NM_001322010.2); c.1079C>G, p.Thr360Arg (NM_001322011.2, NM_001322012.2); c.1439C>G, p.Thr480Arg (NM_001322013.2); c.2012C>G, p.Thr671Arg (NM_001322014.2); c.1703C>G, p.Thr568Arg (NM_001322015.2); short protein forms T671R, T536R, T568R, T619R, T360R, T480R, T484R, T565R.
Identifiers: ClinVar variation 234906 (VCV000234906.12), dbSNP rs587780046, ClinGen allele CA10577337.